The following is an entry in ClinVar:

NM_002582.4(PARN):c.388G>T (p.Gly130Ter)

Gene: PARN (poly(A)-specific ribonuclease; minus strand). Cytogenetic location: 16p13.12.
Variant type: single nucleotide variant.
Coding change: c.388G>T on transcript NM_002582.4 (MANE Select); coding-DNA position 388, G replaced by T.
Protein change: p.Gly130Ter; replaces glycine 130 with a stop codon.
Molecular consequence: nonsense.
Genome position (GRCh38, 1-based): chr16:14,617,590, C>A on the plus strand (G>T on the coding strand, the complement: PARN is on the minus strand). VCF-style: chr16-14617590-C-A. GRCh37 (hg19) VCF-style: chr16-14711447-C-A.
Other names: c.205G>T, p.Gly69Ter (NM_001134477.3); c.250G>T, p.Gly84Ter (NM_001242992.2); short protein forms G130*, G69*, G84*.
Identifiers: ClinVar variation 5019789 (VCV005019789.2).
Genomic context (GRCh38, chr16:14,617,590, plus strand): 5'-ACTTCCCAAGGATATTTTGAAGGTTTATAAGCTCTAAAGATAGGTTACCCATAATCTTAC[C>A]ATTTCGAAAAACTTTATTAAAATCAAATCCCTGGCTTGCTAGAAAGTCAATGCTGGAGCT-3'

ClinVar aggregate classification (germline): Likely pathogenic (1 of 4 stars; one submission).

Conditions:
Dyskeratosis congenita, autosomal recessive 6 (DKCB6). Identifiers: MedGen C4225356, MONDO:0014600, OMIM 616353.
Pulmonary fibrosis and/or bone marrow failure, Telomere-related, 4. Also called: PULMONARY FIBROSIS AND/OR BONE MARROW FAILURE SYNDROME, TELOMERE-RELATED, 4. Identifiers: Orphanet 2032, MedGen C4225347, MONDO:0014612, OMIM 616371.

Submission:

Juno Genomics, Hangzhou Juno Genomics, Inc
Classification: Likely pathogenic for Dyskeratosis congenita, autosomal recessive 6; Pulmonary fibrosis and/or bone marrow failure, Telomere-related, 4. Review status: criteria provided, single submitter. Criteria: ACMG Guidelines, 2015. Collection method: clinical testing. Allele origin: germline.
Comment: Absent from controls (or at extremely low frequency if recessive) in Genome Aggregation Database.;Null variant in a gene where loss of function (LOF) is a known mechanism of disease.